The following is an entry in ClinVar:

ClinVar aggregate classification (germline): Conflicting classifications of pathogenicity. Review status: criteria provided, conflicting classifications (1 of 4 stars). 3 submissions from 3 submitters: Uncertain significance (1); Benign (1); Likely benign (1). Last evaluated 2025-01-30.

Conditions:
Inborn genetic diseases. Identifiers: MedGen C0950123, MeSH D030342.
CLCN5-related disorder. Also called: CLCN5-related condition.

Allele frequency attached by ClinVar (database versions not stated): ExAC 0.00006.
gnomAD v4.1: 47 of 1,203,551 alleles (0.0039%); highest among the groups gnomAD compares: Middle Eastern, 0.023%; no homozygotes.

Submissions (3):

PreventionGenetics, part of Exact Sciences
Classification: Likely benign for CLCN5-related condition. Last evaluated: 2025-01-30. Review status: criteria provided, single submitter. Criteria: ACMG Guidelines, 2015. Collection method: clinical testing. Allele origin: germline.
Comment: This variant is classified as likely benign based on ACMG/AMP sequence variant interpretation guidelines (Richards et al. 2015 PMID: 25741868, with internal and published modifications).

Ambry Genetics
Classification: Uncertain significance for Inborn genetic diseases. Last evaluated: 2025-01-22. Review status: criteria provided, single submitter. Criteria: Ambry Variant Classification Scheme 2023. Collection method: clinical testing. Allele origin: germline.

Labcorp Genetics (formerly Invitae), Labcorp
Classification: Benign. Last evaluated: 2025-01-14. Review status: criteria provided, single submitter. Criteria: Invitae Variant Classification Sherloc (09022015). Collection method: clinical testing. Allele origin: germline.

NM_001127898.4(CLCN5):c.640G>A (p.Val214Ile)

Gene: CLCN5 (Cl-/H+ antiporter 5; plus strand). Cytogenetic location: Xp11.23.
Variant type: single nucleotide variant.
Coding change: c.640G>A on transcript NM_001127898.4 (MANE Select); coding-DNA position 640, G replaced by A.
Protein change: p.Val214Ile; replaces valine 214 with isoleucine.
Molecular consequence: missense variant.
Genome position (GRCh38, 1-based): chrX:50,080,630, G>A. VCF-style: chrX-50080630-G-A. GRCh37 (hg19) VCF-style: chrX-49845287-G-A.
Other names: c.430G>A, p.Val144Ile (NM_000084.5); c.640G>A, p.Val214Ile (NM_001127899.4); c.490G>A, p.Val164Ile (NM_001282163.2); c.430G>A (NM_000084.2, NM_000084.4); short protein forms V164I, V214I, V144I.
Identifiers: ClinVar variation 2882569 (VCV002882569.5), dbSNP rs782746421, ClinGen allele CA10413765.
Genomic context (GRCh38, chrX:50,080,630, plus strand): 5'-AGCTTCTTTTTCCCCCTGTTCCAGGGAGCCTTTGCCTACATAGTCAATTATTTCATGTAC[G>A]TCCTCTGGGCTCTCCTATTTGCCTTCCTTGCCGTATCTCTTGTCAAGGTGTTTGCGCCTT-3'
Protein context (NP_001121370.1, residues 204-224): FAYIVNYFMY[Val214Ile]LWALLFAFLA